The following is an entry in ClinVar:

ClinVar aggregate classification (germline): Uncertain significance. Review status: criteria provided, multiple submitters, no conflicts (2 of 4 stars). 5 submissions from 5 submitters: Uncertain significance (5). Last evaluated 2025-02-24.

Conditions:
Combined oxidative phosphorylation defect type 11. Also called: Combined oxidative phosphorylation deficiency 11; ENCEPHALONEUROMYOPATHY, INFANTILE, DUE TO MITOCHONDRIAL TRANSLATION DEFECT. Identifiers: Orphanet 324535, MedGen C5190991, MONDO:0013969, OMIM 614922.
Inborn genetic diseases. Identifiers: MedGen C0950123, MeSH D030342.

Allele frequency attached by ClinVar (database versions not stated): ExAC 0.00001; gnomAD 0.00001; gnomAD exomes 0.00001 and 0.00003; TOPMed 0.00002.
gnomAD v4.1: 15 of 1,612,716 alleles (0.00093%); highest among the groups gnomAD compares: Admixed American, 0.017%; no homozygotes.

Submissions (5):

Ambry Genetics
Classification: Uncertain significance for Inborn genetic diseases. Last evaluated: 2025-02-24. Review status: criteria provided, single submitter. Criteria: Ambry Variant Classification Scheme 2023. Collection method: clinical testing. Allele origin: germline.

Fulgent Genetics
Classification: Uncertain significance for Combined oxidative phosphorylation defect type 11. Last evaluated: 2024-06-23. Review status: criteria provided, single submitter. Criteria: ACMG Guidelines, 2015. Collection method: clinical testing. Allele origin: germline.

Mayo Clinic Laboratories, Mayo Clinic
Classification: Uncertain significance. Last evaluated: 2023-06-13. Review status: criteria provided, single submitter. Criteria: ACMG Guidelines, 2015. Collection method: clinical testing. Allele origin: germline. Observed: 1 variant allele.
Comment: BP4_strong, PM2_moderate

Labcorp Genetics (formerly Invitae), Labcorp
Classification: Uncertain significance. Last evaluated: 2022-06-24. Review status: criteria provided, single submitter. Criteria: Invitae Variant Classification Sherloc (09022015). Collection method: clinical testing. Allele origin: germline.
Comment: This sequence change replaces glutamic acid, which is acidic and polar, with lysine, which is basic and polar, at codon 347 of the RMND1 protein (p.Glu347Lys). This variant is present in population databases (rs778086286, gnomAD 0.02%). This variant has not been reported in the literature in individuals affected with RMND1-related conditions. ClinVar contains an entry for this variant (Variation ID: 1032010). Algorithms developed to predict the effect of missense changes on protein structure and function output the following: SIFT: "Tolerated"; PolyPhen-2: "Benign"; Align-GVGD: "Class C0". The lysine amino acid residue is found in multiple mammalian species, which suggests that this missense change does not adversely affect protein function. In summary, the available evidence is currently insufficient to determine the role of this variant in disease. Therefore, it has been classified as a Variant of Uncertain Significance.

Baylor Genetics
Classification: Uncertain significance for Combined oxidative phosphorylation defect type 11. Last evaluated: 2018-09-19. Review status: criteria provided, single submitter. Criteria: ACMG Guidelines, 2015. Collection method: clinical testing. Allele origin: unknown. Affected: yes.
Comment: This variant was determined to be of uncertain significance according to ACMG Guidelines, 2015 [PMID:25741868].

NM_017909.4(RMND1):c.1039G>A (p.Glu347Lys)

Gene: RMND1 (required for meiotic nuclear division 1 homolog; minus strand). Cytogenetic location: 6q25.1.
Variant type: single nucleotide variant.
Coding change: c.1039G>A on transcript NM_017909.4 (MANE Select); coding-DNA position 1039, G replaced by A.
Protein change: p.Glu347Lys; replaces glutamic acid 347 with lysine.
Molecular consequence: missense variant.
Genome position (GRCh38, 1-based): chr6:151,421,285, C>T on the plus strand (G>A on the coding strand, the complement: RMND1 is on the minus strand). VCF-style: chr6-151421285-C-T. GRCh37 (hg19) VCF-style: chr6-151742420-C-T.
Other names: p.Glu347Lys; c.529G>A, p.Glu177Lys (NM_001271937.2); short protein forms E347K, E177K.
Identifiers: ClinVar variation 1032010 (VCV001032010.6), dbSNP rs778086286, ClinGen allele CA4050823.